The following is an entry in ClinVar:

NM_000535.7(PMS2):c.829A>T (p.Thr277Ser)

Gene: PMS2 (PMS1 homolog 2, mismatch repair system component; minus strand). Cytogenetic location: 7p22.1.
Variant type: single nucleotide variant.
Coding change: c.829A>T on transcript NM_000535.7 (MANE Select); coding-DNA position 829, A replaced by T.
Protein change: p.Thr277Ser; replaces threonine 277 with serine.
Molecular consequence: missense variant. On other transcripts: 5 prime UTR variant (2), non-coding transcript variant (1).
Genome position (GRCh38, 1-based): chr7:5,995,608, T>A on the plus strand (A>T on the coding strand, the complement: PMS2 is on the minus strand). VCF-style: chr7-5995608-T-A. GRCh37 (hg19) VCF-style: chr7-6035239-T-A.
Other names: c.424A>T, p.Thr142Ser (NM_001322003.2, NM_001322004.2, NM_001322005.2 and 2 more transcripts); c.829A>T, p.Thr277Ser (NM_001322006.2, NM_001322014.2); c.511A>T, p.Thr171Ser (NM_001322007.2, NM_001322008.2); c.-105A>T (NM_001322011.2, NM_001322012.2); c.256A>T, p.Thr86Ser (NM_001322013.2); c.520A>T, p.Thr174Ser (NM_001322015.2); short protein forms T86S, T174S, T142S, T171S, T277S.
Identifiers: ClinVar variation 918396 (VCV000918396.15), dbSNP rs1583364586, ClinGen allele CA366743532.

ClinVar aggregate classification (germline): Uncertain significance. Review status: criteria provided, multiple submitters, no conflicts (2 of 4 stars). 3 submissions from 3 submitters: Uncertain significance (3). Last evaluated 2025-06-17.

Conditions:
Hereditary nonpolyposis colorectal neoplasms. Identifiers: MedGen C0009405, MeSH D003123.
Hereditary cancer-predisposing syndrome. Also called: Neoplastic Syndromes, Hereditary; Tumor predisposition; Hereditary Cancer Syndrome; Hereditary neoplastic syndrome. Identifiers: Orphanet 140162, MedGen C0027672, MeSH D009386, MONDO:0015356.

Allele frequency attached by ClinVar (database versions not stated): gnomAD exomes below 0.00001.
gnomAD v4.1: 2 of 1,613,606 alleles (0.00012%); highest among the groups gnomAD compares: Non-Finnish European, 0.00017%; no homozygotes.

Submissions (3):

Ambry Genetics
Classification: Uncertain significance for Hereditary cancer-predisposing syndrome. Last evaluated: 2025-06-17. Review status: criteria provided, single submitter. Criteria: Ambry Variant Classification Scheme 2023. Collection method: clinical testing. Allele origin: germline.
Comment: The p.T277S variant (also known as c.829A>T), located in coding exon 8 of the PMS2 gene, results from an A to T substitution at nucleotide position 829. The threonine at codon 277 is replaced by serine, an amino acid with similar properties. This amino acid position is not well conserved in available vertebrate species. In addition, this alteration is predicted to be tolerated by in silico analysis. Based on the available evidence, the clinical significance of this variant remains unclear.

Color Diagnostics, LLC DBA Color Health
Classification: Uncertain significance for Hereditary cancer-predisposing syndrome. Last evaluated: 2023-12-05. Review status: criteria provided, single submitter. Criteria: ACMG Guidelines, 2015. Collection method: clinical testing. Allele origin: germline.
Comment: This missense variant replaces threonine with serine at codon 277 of the PMS2 protein. Computational prediction suggests that this variant may not impact protein structure and function (internally defined REVEL score threshold <= 0.5, PMID: 27666373). To our knowledge, functional studies have not been reported for this variant. This variant has not been reported in individuals affected with PMS2-related disorders in the literature. This variant has not been identified in the general population by the Genome Aggregation Database (gnomAD). The available evidence is insufficient to determine the role of this variant in disease conclusively. Therefore, this variant is classified as a Variant of Uncertain Significance.

Labcorp Genetics (formerly Invitae), Labcorp
Classification: Uncertain significance for Hereditary nonpolyposis colorectal neoplasms. Last evaluated: 2023-07-06. Review status: criteria provided, single submitter. Criteria: Invitae Variant Classification Sherloc (09022015). Collection method: clinical testing. Allele origin: germline.
Comment: This sequence change replaces threonine, which is neutral and polar, with serine, which is neutral and polar, at codon 277 of the PMS2 protein (p.Thr277Ser). This variant is not present in population databases (gnomAD no frequency). This variant has not been reported in the literature in individuals affected with PMS2-related conditions. ClinVar contains an entry for this variant (Variation ID: 918396). Advanced modeling of protein sequence and biophysical properties (such as structural, functional, and spatial information, amino acid conservation, physicochemical variation, residue mobility, and thermodynamic stability) performed at Invitae indicates that this missense variant is not expected to disrupt PMS2 protein function. In summary, the available evidence is currently insufficient to determine the role of this variant in disease. Therefore, it has been classified as a Variant of Uncertain Significance.